The following is an entry in ClinVar:

NM_002335.4(LRP5):c.3326C>A (p.Thr1109Asn)

Gene: LRP5 (LDL receptor related protein 5; plus strand). Cytogenetic location: 11q13.2.
Variant type: single nucleotide variant.
Coding change: c.3326C>A on transcript NM_002335.4 (MANE Select); coding-DNA position 3326, C replaced by A.
Protein change: p.Thr1109Asn; replaces threonine 1109 with asparagine.
Molecular consequence: missense variant.
Genome position (GRCh38, 1-based): chr11:68,425,191, C>A. VCF-style: chr11-68425191-C-A. GRCh37 (hg19) VCF-style: chr11-68192659-C-A.
Other names: c.1583C>A, p.Thr528Asn (NM_001291902.2); short protein forms T1109N, T528N.
Identifiers: ClinVar variation 1320332 (VCV001320332.2), dbSNP rs2153173911, ClinGen allele CA381621454.

ClinVar aggregate classification (germline): Uncertain significance (1 of 4 stars; one submission).

Submission:

GeneDx
Classification: Uncertain significance. Last evaluated: 2021-05-03. Review status: criteria provided, single submitter. Criteria: GeneDx Variant Classification Process June 2021. Collection method: clinical testing. Allele origin: germline. Affected: yes.
Comment: Not observed in large population cohorts (Lek et al., 2016); In silico analysis supports that this missense variant does not alter protein structure/function; Has not been previously published as pathogenic or benign to our knowledge